The following is an entry in ClinVar:

ClinVar aggregate classification (germline): Uncertain significance (1 of 4 stars; one submission).

Conditions:
Chédiak-Higashi syndrome (CHS). Also called: Chediak-Higashi Syndrome. Identifiers: Orphanet 167, MedGen C0007965, MONDO:0008963, OMIM 214500.

Allele frequency attached by ClinVar (database versions not stated): TOPMed below 0.00001; gnomAD exomes 0.00001.
gnomAD v4.1: 17 of 1,613,284 alleles (0.0011%); highest among the groups gnomAD compares: East Asian, 0.0022%; no homozygotes.

Submission:

Labcorp Genetics (formerly Invitae), Labcorp
Classification: Uncertain significance for Chédiak-Higashi syndrome. Last evaluated: 2023-10-03. Review status: criteria provided, single submitter. Criteria: Invitae Variant Classification Sherloc (09022015). Collection method: clinical testing. Allele origin: germline.
Comment: This sequence change replaces alanine, which is neutral and non-polar, with valine, which is neutral and non-polar, at codon 3655 of the LYST protein (p.Ala3655Val). This variant is present in population databases (no rsID available, gnomAD 0.0009%). This variant has not been reported in the literature in individuals affected with LYST-related conditions. ClinVar contains an entry for this variant (Variation ID: 1911720). Advanced modeling of protein sequence and biophysical properties (such as structural, functional, and spatial information, amino acid conservation, physicochemical variation, residue mobility, and thermodynamic stability) performed at Invitae indicates that this missense variant is not expected to disrupt LYST protein function. In summary, the available evidence is currently insufficient to determine the role of this variant in disease. Therefore, it has been classified as a Variant of Uncertain Significance.

NM_000081.4(LYST):c.10964C>T (p.Ala3655Val)

Gene: LYST (lysosomal trafficking regulator; minus strand). Cytogenetic location: 1q42.3.
Variant type: single nucleotide variant.
Coding change: c.10964C>T on transcript NM_000081.4 (MANE Select); coding-DNA position 10964, C replaced by T.
Protein change: p.Ala3655Val; replaces alanine 3655 with valine.
Molecular consequence: missense variant.
Genome position (GRCh38, 1-based): chr1:235,677,165, G>A on the plus strand (C>T on the coding strand, the complement: LYST is on the minus strand). VCF-style: chr1-235677165-G-A. GRCh37 (hg19) VCF-style: chr1-235840465-G-A.
Other names: c.10964C>T, p.Ala3655Val (NM_001301365.1); short protein forms A3655V.
Identifiers: ClinVar variation 1911720 (VCV001911720.5), dbSNP rs957215716, ClinGen allele CA39573006.